The following is an entry in ClinVar:

ClinVar aggregate classification (germline): Uncertain significance (1 of 4 stars; one submission).

Submission:

Labcorp Genetics (formerly Invitae), Labcorp
Classification: Uncertain significance. Last evaluated: 2023-10-07. Review status: criteria provided, single submitter. Criteria: Invitae Variant Classification Sherloc (09022015). Collection method: clinical testing. Allele origin: unknown.
Comment: This variant is a gross deletion of the genomic region encompassing exon(s) 10-11 of the RHOBTB2 gene. This variant would be expected to be in-frame, preserving the integrity of the reading frame. This variant has not been reported in the literature in individuals affected with RHOBTB2-related conditions. Experimental studies and prediction algorithms are not available or were not evaluated, and the functional significance of this variant is currently unknown. In summary, the available evidence is currently insufficient to determine the role of this variant in disease. Therefore, it has been classified as a Variant of Uncertain Significance.

NC_000008.10:g.(?_22872183)_(22873276_?)del

Gene: RHOBTB2 (Rho related BTB domain containing 2; plus strand). Cytogenetic location: 8p21.3.
Variant type: Deletion.
Identifiers: ClinVar variation 3245561 (VCV003245561.1).